The following is an entry in ClinVar:

NM_001042492.3(NF1):c.653A>G (p.Lys218Arg)

Gene: NF1 (neurofibromin 1; plus strand). Cytogenetic location: 17q11.2.
Variant type: single nucleotide variant.
Coding change: c.653A>G on transcript NM_001042492.3 (MANE Select); coding-DNA position 653, A replaced by G.
Protein change: p.Lys218Arg; replaces lysine 218 with arginine.
Molecular consequence: missense variant.
Genome position (GRCh38, 1-based): chr17:31,181,488, A>G. VCF-style: chr17-31181488-A-G. GRCh37 (hg19) VCF-style: chr17-29508506-A-G.
Other names: c.653A>G, p.Lys218Arg (NM_000267.4, NM_001128147.3); short protein forms K218R.
Identifiers: ClinVar variation 1434319 (VCV001434319.9), dbSNP rs1332171832, ClinGen allele CA398989523.

ClinVar aggregate classification (germline): Uncertain significance. Review status: criteria provided, multiple submitters, no conflicts (2 of 4 stars). 2 submissions from 2 submitters: Uncertain significance (2). Last evaluated 2025-08-05.

Conditions:
Cardiovascular phenotype. Identifiers: MedGen CN230736.
Hereditary cancer-predisposing syndrome. Also called: Neoplastic Syndromes, Hereditary; Hereditary Cancer Syndrome; Tumor predisposition; Hereditary neoplastic syndrome. Identifiers: Orphanet 140162, MedGen C0027672, MeSH D009386, MONDO:0015356.
Neurofibromatosis, type 1 (NF1). Also called: Peripheral type neurofibromatosis; VON RECKLINGHAUSEN DISEASE; NEUROFIBROMATOSIS, TYPE I, SOMATIC; Neurofibromatosis, type I. Identifiers: Orphanet 636, MedGen C0027831, MONDO:0018975, OMIM 162200. Disease mechanism: loss of function.

Allele frequency attached by ClinVar (database versions not stated): gnomAD exomes below 0.00001 and 0.00001.

Submissions (2):

Ambry Genetics
Classification: Uncertain significance for Cardiovascular phenotype; Hereditary cancer-predisposing syndrome. Last evaluated: 2025-08-05. Review status: criteria provided, single submitter. Criteria: Ambry Variant Classification Scheme 2023. Collection method: clinical testing. Allele origin: germline.
Comment: The p.K218R variant (also known as c.653A>G), located in coding exon 6 of the NF1 gene, results from an A to G substitution at nucleotide position 653. The lysine at codon 218 is replaced by arginine, an amino acid with highly similar properties. This amino acid position is highly conserved in available vertebrate species. In addition, the in silico prediction for this alteration is inconclusive. Based on the available evidence, the clinical significance of this variant remains unclear.

Labcorp Genetics (formerly Invitae), Labcorp
Classification: Uncertain significance for Neurofibromatosis, type 1. Last evaluated: 2021-06-24. Review status: criteria provided, single submitter. Criteria: Invitae Variant Classification Sherloc (09022015). Collection method: clinical testing. Allele origin: germline.
Comment: This sequence change replaces lysine with arginine at codon 218 of the NF1 protein (p.Lys218Arg). The lysine residue is highly conserved and there is a small physicochemical difference between lysine and arginine. This variant is not present in population databases (ExAC no frequency). This variant has not been reported in the literature in individuals with NF1-related conditions. Algorithms developed to predict the effect of missense changes on protein structure and function are either unavailable or do not agree on the potential impact of this missense change (SIFT: "Deleterious"; PolyPhen-2: "Probably Damaging"; Align-GVGD: "Class C0"). In summary, the available evidence is currently insufficient to determine the role of this variant in disease. Therefore, it has been classified as a Variant of Uncertain Significance.